The following is an entry in ClinVar:

NC_012920.1(MT-CYB):m.14900G>A

Gene: MT-CYB (mitochondrially encoded cytochrome b; plus strand).
Variant type: single nucleotide variant.
Genome position: chrM-14900-G-A.
Identifiers: ClinVar variation 693788 (VCV000693788.1), dbSNP rs1603224960, ClinGen allele CA913172403.

ClinVar aggregate classification (germline): Uncertain significance (1 of 4 stars; one submission).

Conditions:
Leigh syndrome (NULS). Also called: Leigh's necrotizing encephalopathy; Leigh's disease; Leigh's syndrome; LEIGH SYNDROME, NUCLEAR; Leigh Syndrome (mtDNA deletion); Leigh Disease. Identifiers: Orphanet 506, MedGen C2931891, MONDO:0009723, OMIM 256000.

Submission:

Wong Mito Lab, Molecular and Human Genetics, Baylor College of Medicine
Classification: Uncertain significance for Leigh syndrome. Last evaluated: 2019-10-17. Review status: criteria provided, single submitter. Criteria: Modified ACMG Guidelines (Unpublished). Collection method: clinical testing. Allele origin: germline.
Comment: The NC_012920.1:m.14900G>A (YP_003024038.1:p.Ala52Thr) variant in MTCYB gene is interpretated to be a Uncertain Significance variant based on the modified ACMG guidelines (unpublished). This variant meets the following evidence codes: PP4